The following is an entry in ClinVar:

ClinVar aggregate classification (germline): Likely pathogenic (1 of 4 stars; one submission).

Conditions:
Neuromuscular disease caused by qualitative or quantitative defects of dystrophin. Also called: Qualitative or quantitative defects of dystrophin. Identifiers: Orphanet 207085, MedGen C5679787, MONDO:0016147.

Submission:

Women's Health and Genetics/Laboratory Corporation of America, LabCorp
Classification: Likely pathogenic for Neuromuscular disease caused by qualitative or quantitative defects of dystrophin. Last evaluated: 2023-11-20. Review status: criteria provided, single submitter. Criteria: LabCorp Variant Classification Summary - May 2015. Collection method: clinical testing. Allele origin: germline.
Comment: Variant summary: The variant involves the duplication of exon 69 in the DMD gene. A presumed nomenclature of c.(9974+1_9975-1)_(10086+1_10087-1)dup has been designated for the purposes of this classification. The variant was absent in 15937 control chromosomes. It is assumed to be a tandem duplication in direct orientation (Richardson_GIM_2018, Newman_AJHG_2015). This Copy Number Variant (CNV) is expected to alter the reading frame and predicted to result in a truncation or absence of the encoded protein due to nonsense mediated decay (NMD). c.(9974+1_9975-1)_(10086+1_10087-1)dup has been reported in the literature in individuals affected with Dystrophinopathies (Cunniff_2009, Li_2015). These data indicate that the variant may be associated with disease. To our knowledge, no experimental evidence demonstrating an impact on protein function has been reported. The following publications have been ascertained in the context of this evaluation (PMID: 19074751, 25612904). No submitters have cited clinical-significance assessments for this variant to ClinVar after 2014. Based on the evidence outlined above, the variant was classified as likely pathogenic.

Literature cited by the submitters: PubMed 25612904; PubMed 19074751.

NC_000023.10:g.(31196923_31198486)_(31198599_31200854)dup

Gene: DMD (dystrophin; minus strand). Cytogenetic location: Xp21.2.
Variant type: Duplication.
Identifiers: ClinVar variation 2682183 (VCV002682183.1).